The following is an entry in ClinVar:

NM_003482.4(KMT2D):c.3942T>A (p.Pro1314=)

Genes: KMT2D (lysine methyltransferase 2D; minus strand), LOC126861520 (CDK7 strongly-dependent group 2 enhancer GRCh37_chr12:49442744-49443943; plus strand). Cytogenetic location: 12q13.12.
Variant type: single nucleotide variant.
Coding change: c.3942T>A on transcript NM_003482.4 (MANE Select); coding-DNA position 3942, T replaced by A.
Protein change: p.Pro1314=; no amino-acid change (proline 1314 retained).
Molecular consequence: synonymous variant.
Genome position (GRCh38, 1-based): chr12:49,049,183, A>T on the plus strand (T>A on the coding strand, the complement: KMT2D is on the minus strand). VCF-style: chr12-49049183-A-T. GRCh37 (hg19) VCF-style: chr12-49442966-A-T.
Identifiers: ClinVar variation 4999236 (VCV004999236.1).

ClinVar aggregate classification (germline): Likely benign (1 of 4 stars; one submission).

Conditions:
KMT2D-related disorder. Also called: KMT2D-Related Disorders.

gnomAD v4.1: 2 of 1,609,026 alleles (0.00012%); highest among the groups gnomAD compares: Non-Finnish European, 0.00017%; no homozygotes.

Submission:

PreventionGenetics, part of Exact Sciences
Classification: Likely benign for KMT2D-related condition. Last evaluated: 2026-06-27. Review status: criteria provided, single submitter. Criteria: ACMG Guidelines, 2015. Collection method: clinical testing. Allele origin: germline.
Comment: This variant is classified as likely benign based on ACMG/AMP sequence variant interpretation guidelines (Richards et al. 2015 PMID: 25741868, with internal and published modifications).